The following is an entry in ClinVar:

ClinVar aggregate classification (germline): Pathogenic (1 of 4 stars; one submission).

Conditions:
Ellis-van Creveld syndrome (EVC). Also called: EVC-Related Ellis-van Creveld Syndrome; EVC2-Related Ellis-van Creveld Syndrome; MESOECTODERMAL DYSPLASIA; Chondroectodermal dysplasia. Identifiers: Orphanet 289, MedGen C0013903, MONDO:0009162, OMIM 225500.
Curry-Hall syndrome (WAD). Also called: WEYERS ACRODENTAL DYSOSTOSIS. Identifiers: Orphanet 952, MedGen C0457013, MONDO:0008673, OMIM 193530.

Submission:

Labcorp Genetics (formerly Invitae), Labcorp
Classification: Pathogenic for Curry-Hall syndrome; Ellis-van Creveld syndrome. Last evaluated: 2021-09-25. Review status: criteria provided, single submitter. Criteria: Invitae Variant Classification Sherloc (09022015). Collection method: clinical testing. Allele origin: germline.
Comment: The frequency data for this variant in the population databases is considered unreliable, as metrics indicate insufficient coverage at this position in the ExAC database. This sequence change creates a premature translational stop signal (p.Ala6Argfs*110) in the EVC gene. It is expected to result in an absent or disrupted protein product. Loss-of-function variants in EVC are known to be pathogenic (PMID: 23220543). For these reasons, this variant has been classified as Pathogenic. This variant has not been reported in the literature in individuals affected with EVC-related conditions.

Literature cited by the submitters: PubMed 23220543.

NM_153717.3(EVC):c.16del (p.Ala6fs)

Genes: EVC (EvC ciliary complex subunit 1; plus strand), LOC129992144 (ATAC-STARR-seq lymphoblastoid silent region 15223; plus strand). Cytogenetic location: 4p16.2.
Variant type: Deletion.
Coding change: c.16del on transcript NM_153717.3 (MANE Select); coding-DNA position 16, one base deleted (G; older notation c.16delG).
Protein change: p.Ala6fs; shifts the reading frame from alanine 6.
Molecular consequence: frameshift variant.
Genome position (GRCh38, 1-based): chr4:5,711,396, G deleted; the last of 4 consecutive G bases (chr4:5,711,393-5,711,396); deleting any one gives the same sequence. VCF-style (leftmost placement, unchanged base first): chr4-5711392-CG-C. GRCh37 (hg19) VCF-style: chr4-5713119-CG-C.
Other names: c.16del, p.Ala6fs (NM_001306090.2, NM_001306092.2); short protein forms A6fs.
Identifiers: ClinVar variation 1443468 (VCV001443468.7), dbSNP rs2151766718, ClinGen allele CA2573138374.